The following is an entry in ClinVar:

ClinVar aggregate classification (germline): Conflicting classifications of pathogenicity. Review status: criteria provided, conflicting classifications (1 of 4 stars). 2 submissions from 2 submitters: Uncertain significance (1); Likely benign (1). Last evaluated 2026-03-26.

Conditions:
Inborn genetic diseases. Identifiers: MedGen C0950123, MeSH D030342.
Cornelia de Lange syndrome 1 (CDLS1). Also called: TYPUS DEGENERATIVUS AMSTELODAMENSIS; Brachmann de Lange syndrome; NIPBL-Related Cornelia de Lange Syndrome. Identifiers: Orphanet 199, MedGen C4551851, MONDO:0007387, OMIM 122470.
Developmental and epileptic encephalopathy, 85, with or without midline brain defects. Also called: EPILEPTIC ENCEPHALOPATHY, EARLY INFANTILE, 85, WITH OR WITHOUT MIDLINE BRAIN DEFECTS. Identifiers: MedGen C5393312, MONDO:0026771, OMIM 301044.
Congenital muscular hypertrophy-cerebral syndrome (CDLS2). Also called: Cornelia de Lange syndrome 2; SMC1A-Related Cornelia de Lange Syndrome. Identifiers: Orphanet 199, MedGen C1802395, MONDO:0010370, OMIM 300590.

Allele frequency attached by ClinVar (database versions not stated): gnomAD exomes 0.00001.

Submissions (2):

Ambry Genetics
Classification: Uncertain significance for Inborn genetic diseases. Last evaluated: 2026-03-26. Review status: criteria provided, single submitter. Criteria: Ambry Variant Classification Scheme 2023. Collection method: clinical testing. Allele origin: germline.
Comment: The c.2039G>A (p.R680H) alteration is located in exon 12 (coding exon 12) of the SMC1A gene. This alteration results from a G to A substitution at nucleotide position 2039, causing the arginine (R) at amino acid position 680 to be replaced by a histidine (H). Based on data from gnomAD, the A allele has an overall frequency of <0.001% (1/182448) total alleles studied. The highest observed frequency was 0.001% (1/81229) of European (non-Finnish) alleles. Based on insufficient or conflicting evidence, the clinical significance of this alteration remains unclear.

Labcorp Genetics (formerly Invitae), Labcorp
Classification: Likely benign for Congenital muscular hypertrophy-cerebral syndrome. Last evaluated: 2024-07-06. Review status: criteria provided, single submitter. Criteria: Invitae Variant Classification Sherloc (09022015). Collection method: clinical testing. Allele origin: germline.

NM_006306.4(SMC1A):c.2039G>A (p.Arg680His)

Gene: SMC1A (structural maintenance of chromosomes 1A; minus strand). Cytogenetic location: Xp11.22.
Variant type: single nucleotide variant.
Coding change: c.2039G>A on transcript NM_006306.4 (MANE Select); coding-DNA position 2039, G replaced by A.
Protein change: p.Arg680His; replaces arginine 680 with histidine.
Molecular consequence: missense variant.
Genome position (GRCh38, 1-based): chrX:53,405,264, C>T on the plus strand (G>A on the coding strand, the complement: SMC1A is on the minus strand). VCF-style: chrX-53405264-C-T. GRCh37 (hg19) VCF-style: chrX-53432196-C-T.
Other names: c.2039G>A (NM_006306.2); c.1973G>A, p.Arg658His (NM_001281463.1); short protein forms R658H, R680H.
Identifiers: ClinVar variation 753669 (VCV000753669.13), dbSNP rs1556889522, ClinGen allele CA413252154.
Genomic context (GRCh38, chrX:53,405,264, plus strand): 5'-TAGGACTCCCACTGCTAAAAACAGCACTGCCTGTGGCTTACTTTCAGCTCCTCTGTCAAG[C>T]GCTCCTTCTTCTCTTTCAACTTGTCTACTGCTTTCTCATCCCAGCGCCGTGCCTTGGCCT-3'
Protein context (NP_006297.2, residues 670-690): AVDKLKEKKE[Arg680His]LTEELKEQMK